The following is an entry in ClinVar:

ClinVar aggregate classification (germline): Uncertain significance. Review status: criteria provided, multiple submitters, no conflicts (2 of 4 stars). 5 submissions from 5 submitters: Uncertain significance (4). 1 of the submissions does not count toward it. Last evaluated 2026-01-18.

Conditions:
Hereditary cancer-predisposing syndrome. Also called: Hereditary Cancer Syndrome; Hereditary neoplastic syndrome; Neoplastic Syndromes, Hereditary; Tumor predisposition. Identifiers: Orphanet 140162, MedGen C0027672, MeSH D009386, MONDO:0015356.
Bloom syndrome (BLM). Also called: Bloom-Torre-Machacek syndrome. Identifiers: Orphanet 125, MedGen C0005859, MONDO:0008876, OMIM 210900.

Submissions (5):

Labcorp Genetics (formerly Invitae), Labcorp
Classification: Uncertain significance for Bloom syndrome. Last evaluated: 2026-01-18. Review status: criteria provided, single submitter. Criteria: Invitae Variant Classification Sherloc (09022015). Collection method: clinical testing. Allele origin: germline.
Comment: This variant, c.1270_1272del, results in the deletion of 1 amino acid(s) of the BLM protein (p.Leu424del), but otherwise preserves the integrity of the reading frame. This variant is present in population databases (rs777886082, gnomAD 0.0009%). This variant has not been reported in the literature in individuals affected with BLM-related conditions. ClinVar contains an entry for this variant (Variation ID: 454073). Experimental studies and prediction algorithms are not available or were not evaluated, and the functional significance of this variant is currently unknown. In summary, the available evidence is currently insufficient to determine the role of this variant in disease. Therefore, it has been classified as a Variant of Uncertain Significance.

Quest Diagnostics Nichols Institute San Juan Capistrano
Classification: Uncertain significance. Last evaluated: 2024-12-20. Review status: criteria provided, single submitter. Criteria: Quest Diagnostics criteria. Collection method: clinical testing. Allele origin: unknown.
Comment: The BLM c.1270_1272del (p.Leu424del) variant has not been reported in individuals with BLM-related conditions in the published literature. The frequency of this variant in the general population (Genome Aggregation Database) is uninformative in the assessment of its pathogenicity. Based on the available information, we are unable to determine the clinical significance of this variant.

GeneDx
Classification: Uncertain significance. Last evaluated: 2024-01-30. Review status: criteria provided, single submitter. Criteria: GeneDx Variant Classification Process June 2021. Collection method: clinical testing. Allele origin: germline. Affected: yes.
Comment: Not observed at significant frequency in large population cohorts (gnomAD); In-frame deletion of 1 amino acid in a non-repeat region; In silico analysis supports that this variant does not alter protein structure/function; Has not been previously published as pathogenic or benign to our knowledge

Ambry Genetics
Classification: Uncertain significance for Hereditary cancer-predisposing syndrome. Last evaluated: 2023-05-03. Review status: criteria provided, single submitter. Criteria: Ambry Variant Classification Scheme 2023. Collection method: clinical testing. Allele origin: germline.
Comment: The c.1270_1272delCTT variant (also known as p.L424del) is located in coding exon 6 of the BLM gene. This variant results from an in-frame CTT deletion at nucleotide positions 1270 to 1272. This results in the in-frame deletion of a leucine at codon 424. This amino acid position is not well conserved in available vertebrate species. In addition, this alteration is predicted to be neutral by in silico analysis (Choi Y et al. PLoS ONE. 2012; 7(10):e46688). Since supporting evidence is limited at this time, the clinical significance of this alteration remains unclear.

Natera, Inc.
Classification: Uncertain significance for Bloom syndrome. Last evaluated: 2018-08-21. Review status: no assertion criteria provided. Collection method: clinical testing. Allele origin: germline. Not counted in ClinVar's aggregate classification.

NM_000057.4(BLM):c.1267CTT[1] (p.Leu424del)

Gene: BLM (BLM RecQ like helicase; plus strand). Cytogenetic location: 15q26.1.
Variant type: Microsatellite.
Coding change: c.1267CTT[1] on transcript NM_000057.4 (MANE Select); one copy of the 3-base unit CTT starting at c.1267; the reference has two copies in a row; one copy, 3 bases deleted; also written c.1270_1272del.
Protein change: p.Leu424del; deletes leucine 424.
Molecular consequence: inframe deletion.
Genome position (GRCh38, 1-based): chr15:90,760,643-90,760,645, CTT deleted; deleting any 3 consecutive bases within chr15:90,760,639-90,760,645 gives the same sequence; the position shown is the placement nearest the transcript's 3' end. VCF-style (leftmost placement, unchanged base first): chr15-90760638-GTCT-G. GRCh37 (hg19) VCF-style: chr15-91303868-GTCT-G.
Other names: c.1270_1272del (NM_000057.3, NM_000057.2, NM_000057.4); c.1267CTT[1], p.Leu424del (NM_001287246.2, NM_001287247.2); c.142CTT[1], p.Leu49del (NM_001287248.2); c.1270_1272delCTT (NM_000057.2); short protein forms L424del, L49del.
Identifiers: ClinVar variation 454073 (VCV000454073.19), dbSNP rs777886082, ClinGen allele CA7738512.